The following is an entry in ClinVar:

ClinVar aggregate classification (germline): Likely pathogenic (1 of 4 stars; one submission).

Conditions:
Familial thoracic aortic aneurysm and aortic dissection (TAAD). Also called: Thoracic aortic aneurysms and dissections. Identifiers: Orphanet 91387, MedGen C4707243, MONDO:0019625.
Marfan syndrome (MFS). Also called: MARFAN SYNDROME, TYPE I; Marfan syndrome type 1; Marfan's syndrome; Marfan syndrome, classic; FBN1-Related Marfan Syndrome. Identifiers: Orphanet 284963, Orphanet 558, MedGen C0024796, MONDO:0007947, OMIM 154700.

Submission:

Labcorp Genetics (formerly Invitae), Labcorp
Classification: Likely pathogenic for Marfan syndrome; Familial thoracic aortic aneurysm and aortic dissection. Last evaluated: 2022-10-03. Review status: criteria provided, single submitter. Criteria: Invitae Variant Classification Sherloc (09022015). Collection method: clinical testing. Allele origin: germline.
Comment: This variant affects a cysteine residue in the EGF-like, TGFBP or hybrid motif domains of FBN1. Cysteine residues are believed to be involved in intramolecular disulfide bridges and have been shown to be important for FBN1 protein structure (PMID: 16905551, 19349279). In addition, missense substitutions affecting cysteine residues within these domains are significantly overrepresented among patients with Marfan syndrome (PMID: 16571647, 17701892). In summary, the currently available evidence indicates that the variant is pathogenic, but additional data are needed to prove that conclusively. Therefore, this variant has been classified as Likely Pathogenic. This variant disrupts a region of the FBN1 protein in which other variant(s) (p.Cys1305Tyr) have been observed in individuals with FBN1-related conditions (PMID: 29768367). This suggests that this is a clinically significant region of the protein, and that variants that disrupt it are likely to be disease-causing. This variant has not been reported in the literature in individuals affected with FBN1-related conditions. This variant is not present in population databases (gnomAD no frequency). This variant, c.3904_3915del, results in the deletion of 4 amino acid(s) of the FBN1 protein (p.Ser1302_Cys1305del), but otherwise preserves the integrity of the reading frame.

Literature cited by the submitters: PubMed 16905551; PubMed 19349279; PubMed 16571647; PubMed 17701892; PubMed 29768367.

NM_000138.5(FBN1):c.3904_3915del (p.Ser1302_Cys1305del)

Gene: FBN1 (fibrillin 1; minus strand). Cytogenetic location: 15q21.1.
Variant type: Deletion.
Coding change: c.3904_3915del on transcript NM_000138.5 (MANE Select); coding-DNA positions 3904 to 3915, 12 bases deleted (TCATTTATCTGC).
Protein change: p.Ser1302_Cys1305del.
Molecular consequence: inframe deletion. On other transcripts: inframe indel (1).
Genome position (GRCh38, 1-based): chr15:48,481,704-48,481,715, GCAGATAAATGA deleted on the plus strand (TCATTTATCTGC on the coding strand, the reverse complement: FBN1 is on the minus strand); deleting any 12 consecutive bases within chr15:48,481,704-48,481,717 gives the same sequence; the c. name uses the placement nearest the transcript's 3' end. VCF-style (leftmost placement, unchanged base first): chr15-48481703-GGCAGATAAATGA-G. GRCh37 (hg19) VCF-style: chr15-48773900-GGCAGATAAATGA-G.
Other names: c.3902_3913delGCTCATTTATCT, p.Ser1302_Cys1305del (NM_001406716.1).
Identifiers: ClinVar variation 2033853 (VCV002033853.4), dbSNP rs2505533459, ClinGen allele CA2580089537.